The following is an entry in ClinVar:

ClinVar aggregate classification (germline): Benign. Review status: criteria provided, multiple submitters, no conflicts (2 of 4 stars). 4 submissions from 3 submitters: Benign (4). Last evaluated 2018-01-12.

Conditions:
Autosomal dominant nonsyndromic hearing loss 6 (LFSNHL). Also called: DEAFNESS, AUTOSOMAL DOMINANT 6; DEAFNESS, AUTOSOMAL DOMINANT 14; DEAFNESS, AUTOSOMAL DOMINANT 38; Autosomal dominant nonsyndromic deafness 6; DIDMOAD (Diabetes Insipidus, Diabetes Mellitus, Optic Atrophy, and Deafness). Identifiers: Orphanet 90635, MedGen C1833021, MONDO:0010963, OMIM 600965.
WFS1-Related Spectrum Disorders.
Wolfram syndrome 1 (WFS1). Identifiers: Orphanet 3463, MedGen C4551693, MONDO:0009101, OMIM 222300.

Allele frequency attached by ClinVar (database versions not stated): gnomAD exomes 0.00097; gnomAD 0.01602 and 0.01701; 1000 Genomes Project 30x 0.01671; 1000 Genomes Project 0.01737; TOPMed 0.01846.
gnomAD v4.1: 2,440 of 176,152 alleles (1.4%); highest among the groups gnomAD compares: African/African-American, 5.4%; 52 homozygotes.

Submissions (4):

Illumina Laboratory Services, Illumina
Classification: Benign for WFS1-Related Spectrum Disorders. Last evaluated: 2018-01-12. Review status: criteria provided, single submitter. Criteria: ICSL Variant Classification Criteria 13 December 2019. Collection method: clinical testing. Allele origin: germline.
Comment: This variant was observed in the ICSL laboratory as part of a predisposition screen in an ostensibly healthy population. It had not been previously curated by ICSL or reported in the Human Gene Mutation Database (HGMD: prior to June 1st, 2018), and was therefore a candidate for classification through an automated scoring system. Utilizing variant allele frequency, disease prevalence and penetrance estimates, and inheritance mode, an automated score was calculated to assess if this variant is too frequent to cause the disease. Based on the score and internal cut-off values, a variant classified as benign is not then subjected to further curation. The score for this variant resulted in a classification of benign for this disease.

Illumina Laboratory Services, Illumina
Classification: Benign for Autosomal dominant nonsyndromic hearing loss 6. Last evaluated: 2018-01-12. Review status: criteria provided, single submitter. Criteria: ICSL Variant Classification Criteria 13 December 2019. Collection method: clinical testing. Allele origin: germline.
Comment: the same text as in the submission from Illumina Laboratory Services, Illumina above.

Breakthrough Genomics
Classification: Benign. Review status: criteria provided, single submitter. Criteria: ACMG Guidelines, 2015. Collection method: not provided. Allele origin: germline. Inheritance: Autosomal recessive inheritance. Affected: yes.

Clinical Genomics, Uppaluri K&H Personalized Medicine Clinic
Classification: Benign for Wolfram syndrome 1. Review status: criteria provided, single submitter. Criteria: K & H Uppaluri Personalized Medicine Clinic Variant Classification & Assertion Criteria_Updated V.1. Collection method: research. Allele origin: unknown. Inheritance: Autosomal recessive inheritance.
Comment: Potent mutations in WFS1 gene are associated with Wolfram's syndrome, an autosomal recessive condition, which cause diabetes mellitus, diabetes insipidus, deafness and optic atrophy.However no sufficient evidence is found to ascertain the role of this particular variant rs71528900 in Wolfram's syndrome yet.

Literature cited by the submitters: PubMed 20738327 (cited by Clinical Genomics, Uppaluri K&H Personalized Medicine Clinic); PubMed 33879153 (cited by Clinical Genomics, Uppaluri K&H Personalized Medicine Clinic); PubMed 12955714 (cited by Clinical Genomics, Uppaluri K&H Personalized Medicine Clinic); PubMed 18060660 (cited by Clinical Genomics, Uppaluri K&H Personalized Medicine Clinic); PubMed 20301750 (cited by Clinical Genomics, Uppaluri K&H Personalized Medicine Clinic); PubMed 17603484 (cited by Clinical Genomics, Uppaluri K&H Personalized Medicine Clinic).

NM_006005.3(WFS1):c.*512C>T

Gene: WFS1 (wolframin ER transmembrane glycoprotein; plus strand). Cytogenetic location: 4p16.1.
Variant type: single nucleotide variant.
Coding change: c.*512C>T on transcript NM_006005.3 (MANE Select); 512 bases downstream of the stop codon, C replaced by T.
Molecular consequence: 3 prime UTR variant.
Genome position (GRCh38, 1-based): chr4:6,302,980, C>T. VCF-style: chr4-6302980-C-T. GRCh37 (hg19) VCF-style: chr4-6304707-C-T.
Other names: c.*512C>T (NM_001145853.1).
Identifiers: ClinVar variation 349350 (VCV000349350.7), dbSNP rs71528900, ClinGen allele CA10621455.